The following is an entry in ClinVar:

ClinVar aggregate classification (germline): Pathogenic (1 of 4 stars; one submission).

Conditions:
Hereditary nonpolyposis colorectal neoplasms. Identifiers: MedGen C0009405, MeSH D003123.

Submission:

Labcorp Genetics (formerly Invitae), Labcorp
Classification: Pathogenic for Hereditary nonpolyposis colorectal neoplasms. Last evaluated: 2025-09-15. Review status: criteria provided, single submitter. Criteria: Invitae Variant Classification Sherloc (09022015). Collection method: clinical testing. Allele origin: germline.
Comment: This sequence change creates a premature translational stop signal (p.Leu1150*) in the MSH6 gene. It is expected to result in an absent or disrupted protein product. Loss-of-function variants in MSH6 are known to be pathogenic (PMID: 18269114, 24362816). This variant is not present in population databases (gnomAD no frequency). This variant has not been reported in the literature in individuals affected with MSH6-related conditions. For these reasons, this variant has been classified as Pathogenic.

Literature cited by the submitters: PubMed 18269114; PubMed 24362816.

NM_000179.3(MSH6):c.3449T>G (p.Leu1150Ter)

Gene: MSH6 (mutS homolog 6; plus strand). Cytogenetic location: 2p16.3.
Variant type: single nucleotide variant.
Coding change: c.3449T>G on transcript NM_000179.3 (MANE Select); coding-DNA position 3449, T replaced by G.
Protein change: p.Leu1150Ter; replaces leucine 1150 with a stop codon.
Molecular consequence: nonsense. On other transcripts: non-coding transcript variant (4).
Genome position (GRCh38, 1-based): chr2:47,804,920, T>G. VCF-style: chr2-47804920-T-G. GRCh37 (hg19) VCF-style: chr2-48032059-T-G.
Other names: c.2924T>G, p.Leu975Ter (NM_001406806.1, NM_001406807.1, NM_001406799.1); c.3449T>G, p.Leu1150Ter (NM_001406808.1, NM_001406809.1, NM_001406796.1 and 1 more transcripts); c.2543T>G, p.Leu848Ter (NM_001406811.1, NM_001406812.1, NM_001406814.1 and 6 more transcripts); c.3455T>G, p.Leu1152Ter (NM_001406813.1); c.1883T>G, p.Leu628Ter (NM_001406817.1); c.3152T>G, p.Leu1051Ter (NM_001406818.1, NM_001406819.1, NM_001406820.1 and 10 more transcripts); c.3281T>G, p.Leu1094Ter (NM_001406826.1); c.230T>G, p.Leu77Ter (NM_001406831.1); and 7 more; short protein forms L1150*, L1152*, L99*, L1051*, L1092*, L77*, L848*, L862*.
Identifiers: ClinVar variation 4772255 (VCV004772255.1).